The following is an entry in ClinVar:

NM_000516.7(GNAS):c.531-7C>T

Gene: GNAS (GNAS complex locus; plus strand). Cytogenetic location: 20q13.32.
Variant type: single nucleotide variant.
Coding change: c.531-7C>T on transcript NM_000516.7 (MANE Select); 7 bases into the intron before coding-DNA position 531, C replaced by T.
Molecular consequence: intron variant.
Genome position (GRCh38, 1-based): chr20:58,909,155, C>T. VCF-style: chr20-58909155-C-T. GRCh37 (hg19) VCF-style: chr20-57484210-C-T.
Other names: c.*437-7C>T (NM_016592.5); c.354-7C>T (NM_001309861.2, NM_001309840.2); c.*392-7C>T (NM_001077490.3); c.2460-7C>T (NM_080425.4); c.534-7C>T (NM_001077488.5); c.489-7C>T (NM_080426.4); c.486-7C>T (NM_001077489.4).
Identifiers: ClinVar variation 714009 (VCV000714009.5), dbSNP rs572281182, ClinGen allele CA9927143.

ClinVar aggregate classification (germline): Likely benign. Review status: criteria provided, single submitter (1 of 4 stars). 2 submissions from 2 submitters: Likely benign (1). 1 of the submissions does not count toward it. Last evaluated 2019-12-31.

Conditions:
GNAS-related disorder. Identifiers: MedGen CN380105.

Allele frequency attached by ClinVar (database versions not stated): gnomAD 0.00001; gnomAD exomes 0.00001 and below 0.00001; ExAC 0.00002; 1000 Genomes Project 30x 0.00016; 1000 Genomes Project 0.00020.
gnomAD v4.1: 3 of 1,613,640 alleles (0.00019%); highest among the groups gnomAD compares: East Asian, 0.0022%; no homozygotes.

Submissions (2):

Labcorp Genetics (formerly Invitae), Labcorp
Classification: Likely benign. Last evaluated: 2019-12-31. Review status: criteria provided, single submitter. Criteria: Invitae Variant Classification Sherloc (09022015). Collection method: clinical testing. Allele origin: germline.

PreventionGenetics, part of Exact Sciences
Classification: Likely benign for GNAS-related condition. Last evaluated: 2019-08-22. Review status: no assertion criteria provided. Collection method: clinical testing. Allele origin: germline. Not counted in ClinVar's aggregate classification.
Comment: This variant is classified as likely benign based on ACMG/AMP sequence variant interpretation guidelines (Richards et al. 2015 PMID: 25741868, with internal and published modifications).